The following is an entry in ClinVar:

ClinVar aggregate classification (germline): Uncertain significance (1 of 4 stars; one submission).

Conditions:
RPGRIP1L-related disorder. Also called: RPGRIP1L-related condition; RPGRIP1L-related disorders. Identifiers: MedGen CN239416.

gnomAD v4.1: 30 of 1,613,580 alleles (0.0019%); highest among the groups gnomAD compares: Non-Finnish European, 0.0025%; no homozygotes.

Submission:

PreventionGenetics, part of Exact Sciences
Classification: Uncertain significance for RPGRIP1L-related condition. Last evaluated: 2025-03-13. Review status: criteria provided, single submitter. Criteria: ACMG Guidelines, 2015. Collection method: clinical testing. Allele origin: germline.
Comment: The RPGRIP1L c.1130A>C variant is predicted to result in the amino acid substitution p.Gln377Pro. This variant has been reported in a cohort study with myelomeningocele (Table S3, Au et al. 2021. PubMed ID: 33574475). This variant has not been reported in a large population database (gnomAD), indicating this variant is rare. At this time, the clinical significance of this variant is uncertain due to the absence of conclusive functional and genetic evidence.

NM_015272.5(RPGRIP1L):c.1130A>C (p.Gln377Pro)

Gene: RPGRIP1L (RPGRIP1 like; minus strand). Cytogenetic location: 16q12.2.
Variant type: single nucleotide variant.
Coding change: c.1130A>C on transcript NM_015272.5 (MANE Select); coding-DNA position 1130, A replaced by C.
Protein change: p.Gln377Pro; replaces glutamine 377 with proline.
Molecular consequence: missense variant.
Genome position (GRCh38, 1-based): chr16:53,664,983, T>G on the plus strand (A>C on the coding strand, the complement: RPGRIP1L is on the minus strand). VCF-style: chr16-53664983-T-G. GRCh37 (hg19) VCF-style: chr16-53698895-T-G.
Other names: c.1130A>C, p.Gln377Pro (NM_001127897.4, NM_001308334.3, NM_001330538.2); short protein forms Q377P.
Identifiers: ClinVar variation 4983381 (VCV004983381.1).